The following is an entry in ClinVar:

ClinVar aggregate classification (germline): Benign (0 of 4 stars; one submission).

Conditions:
CCDC18-related disorder. Also called: CCDC18-related condition.

Allele frequency attached by ClinVar (database versions not stated): 1000 Genomes Project 30x 0.00671; 1000 Genomes Project 0.00759.
gnomAD v4.1: 1,296 of 1,610,440 alleles (0.08%); highest among the groups gnomAD compares: East Asian, 2.7%; 20 homozygotes.

Submission:

PreventionGenetics, part of Exact Sciences
Classification: Benign for CCDC18-related condition. Last evaluated: 2019-08-26. Review status: no assertion criteria provided. Collection method: clinical testing. Allele origin: germline.
Comment: This variant is classified as benign based on ACMG/AMP sequence variant interpretation guidelines (Richards et al. 2015 PMID: 25741868, with internal and published modifications).

NM_001378204.1(CCDC18):c.3324G>A (p.Arg1108=)

Gene: CCDC18 (coiled-coil domain containing 18; plus strand). Cytogenetic location: 1p22.1.
Variant type: single nucleotide variant.
Coding change: c.3324G>A on transcript NM_001378204.1 (MANE Select); coding-DNA position 3324, G replaced by A.
Protein change: p.Arg1108=; no amino-acid change (arginine 1108 retained).
Molecular consequence: synonymous variant.
Genome position (GRCh38, 1-based): chr1:93,254,596, G>A. VCF-style: chr1-93254596-G-A. GRCh37 (hg19) VCF-style: chr1-93720153-G-A.
Other names: c.3321G>A, p.Arg1107= (NM_001306076.1); c.3324G>A, p.Arg1108= (NM_206886.4).
Identifiers: ClinVar variation 3053338 (VCV003053338.2), dbSNP rs61729705, ClinGen allele CA954544.